The following is an entry in ClinVar:

ClinVar aggregate classification (germline): Likely benign (0 of 4 stars; one submission).

Conditions:
PSMB9-related disorder. Also called: PSMB9-related condition.

Allele frequency attached by ClinVar (database versions not stated): gnomAD 0.00001; ExAC 0.00004.
gnomAD v4.1: 28 of 1,613,306 alleles (0.0017%); highest among the groups gnomAD compares: Middle Eastern, 0.066%; no homozygotes.

Submission:

PreventionGenetics, part of Exact Sciences
Classification: Likely benign for PSMB9-related condition. Last evaluated: 2019-03-22. Review status: no assertion criteria provided. Collection method: clinical testing. Allele origin: germline.
Comment: This variant is classified as likely benign based on ACMG/AMP sequence variant interpretation guidelines (Richards et al. 2015 PMID: 25741868, with internal and published modifications).

NM_002800.5(PSMB9):c.567C>T (p.Ser189=)

Gene: PSMB9 (proteasome 20S subunit beta 9; plus strand). Cytogenetic location: 6p21.32.
Variant type: single nucleotide variant.
Coding change: c.567C>T on transcript NM_002800.5 (MANE Select); coding-DNA position 567, C replaced by T.
Protein change: p.Ser189=; no amino-acid change (serine 189 retained).
Molecular consequence: synonymous variant.
Genome position (GRCh38, 1-based): chr6:32,859,439, C>T. VCF-style: chr6-32859439-C-T. GRCh37 (hg19) VCF-style: chr6-32827216-C-T.
Identifiers: ClinVar variation 3046623 (VCV003046623.2), dbSNP rs761162782, ClinGen allele CA3747335.
Genomic context (GRCh38, chr6:32,859,439, plus strand): 5'-TCTCTCCAACTTGAAACCCTCTGCAGCTATTGCTCTGGCCATGAGCCGGGATGGCTCAAG[C>T]GGGGGTGTCATCTACCTGGTCACTATTACAGCTGCCGGTGTGGACCATCGAGTCATCTTG-3'
Protein context (NP_002791.1, residues 179-199): IALAMSRDGS[Ser189=]GGVIYLVTIT